The following is an entry in ClinVar:

NM_001384140.1(PCDH15):c.4671+1344_4671+1345delinsCC

Gene: PCDH15 (protocadherin related 15; minus strand). Cytogenetic location: 10q21.1.
Variant type: Indel.
Coding change: c.4671+1344_4671+1345delinsCC on transcript NM_001384140.1 (MANE Select); bases 1344 to 1345 of the intron after coding-DNA position 4671, AG replaced by CC.
Molecular consequence: intron variant. On other transcripts: missense variant (2), 3 prime UTR variant (1).
Genome position (GRCh38, 1-based): chr10:53,809,211-53,809,212, CT replaced by GG on the plus strand (AG replaced by CC on the coding strand, the reverse complement: PCDH15 is on the minus strand). VCF-style: chr10-53809211-CT-GG. GRCh37 (hg19) VCF-style: chr10-55568971-CT-GG.
Other names: c.4853_4854delAGinsCC, p.Glu1618Ala (NM_001142769.4); c.*268_*269delinsCC (NM_001142770.3); c.4832_4833delinsCC, p.Glu1611Ala (NM_001354411.2); c.4476+1344_4476+1345delinsCC (NM_001354420.2); c.4605+1344_4605+1345delinsCC (NM_001354429.2); c.4482+1344_4482+1345delinsCC (NM_001142772.2); c.4497+1344_4497+1345delinsCC (NM_001142771.2); short protein forms E1618A, E1611A.
Identifiers: ClinVar variation 505045 (VCV000505045.8), dbSNP rs1554815737, ClinGen allele CA658797424.

ClinVar aggregate classification (germline): Benign. Review status: criteria provided, multiple submitters, no conflicts (2 of 4 stars). 2 submissions from 2 submitters: Benign (2). Last evaluated 2018-06-05.

Submissions (2):

GeneDx
Classification: Benign. Last evaluated: 2018-06-05. Review status: criteria provided, single submitter. Criteria: GeneDx Variant Classification Process June 2021. Collection method: clinical testing. Allele origin: germline. Affected: yes.

Laboratory for Molecular Medicine, Mass General Brigham Personalized Medicine
Classification: Benign. Last evaluated: 2016-05-10. Review status: criteria provided, single submitter. Criteria: LMM Criteria. Collection method: clinical testing. Allele origin: germline. Observed: 1 variant allele.
Comment: c.4853_4854delinsCC (p.Glu1618Ala) in exon 37A of PCDH15: This variant is not ex pected to have clinical significance because it has been identified in 1.46% (24 1/16508) of South Asian chromosomes by the Exome Aggregation Consortium (ExAC).